The following is an entry in ClinVar:

ClinVar aggregate classification (germline): Benign/Likely benign. Review status: criteria provided, multiple submitters, no conflicts (2 of 4 stars). 4 submissions from 4 submitters: Benign (1); Likely benign (2). 1 of the submissions does not count toward it. Last evaluated 2026-02-01.

Conditions:
RAI1-related disorder. Also called: RAI1-related condition.
Inborn genetic diseases. Identifiers: MedGen C0950123, MeSH D030342.

Allele frequency attached by ClinVar (database versions not stated): TOPMed 0.00002; gnomAD 0.00004 and 0.00005; gnomAD exomes 0.00005 and 0.00006; ESP Exome Variant Server 0.00008; ExAC 0.00009; 1000 Genomes Project 30x 0.00016; 1000 Genomes Project 0.00020.

Submissions (4):

CeGaT Center for Human Genetics Tuebingen
Classification: Likely benign. Last evaluated: 2026-02-01. Review status: criteria provided, single submitter. Criteria: CeGaT Center For Human Genetics Tuebingen Variant Classification Criteria Version 2. Collection method: clinical testing. Allele origin: germline. Affected: yes. Observed: 3 variant alleles.
Comment: RAI1: BP4, BS2

Labcorp Genetics (formerly Invitae), Labcorp
Classification: Benign. Last evaluated: 2025-08-29. Review status: criteria provided, single submitter. Criteria: Invitae Variant Classification Sherloc (09022015). Collection method: clinical testing. Allele origin: germline.

Ambry Genetics
Classification: Likely benign for Inborn genetic diseases. Last evaluated: 2021-10-06. Review status: criteria provided, single submitter. Criteria: Ambry Variant Classification Scheme 2023. Collection method: clinical testing. Allele origin: germline.

PreventionGenetics, part of Exact Sciences
Classification: Likely benign for RAI1-related condition. Last evaluated: 2023-01-23. Review status: no assertion criteria provided. Collection method: clinical testing. Allele origin: germline. Not counted in ClinVar's aggregate classification.
Comment: This variant is classified as likely benign based on ACMG/AMP sequence variant interpretation guidelines (Richards et al. 2015 PMID: 25741868, with internal and published modifications).

NM_030665.4(RAI1):c.4936G>A (p.Gly1646Arg)

Gene: RAI1 (retinoic acid induced 1; plus strand). Cytogenetic location: 17p11.2.
Variant type: single nucleotide variant.
Coding change: c.4936G>A on transcript NM_030665.4 (MANE Select); coding-DNA position 4936, G replaced by A.
Protein change: p.Gly1646Arg; replaces glycine 1646 with arginine.
Molecular consequence: missense variant.
Genome position (GRCh38, 1-based): chr17:17,797,884, G>A. VCF-style: chr17-17797884-G-A. GRCh37 (hg19) VCF-style: chr17-17701198-G-A.
Other names: short protein forms G1646R.
Identifiers: ClinVar variation 870999 (VCV000870999.49), dbSNP rs143029873, ClinGen allele CA8419069.